The following is an entry in ClinVar:

ClinVar aggregate classification (germline): Uncertain significance (1 of 4 stars; one submission).

Conditions:
Atypical hemolytic-uremic syndrome. Identifiers: Orphanet 2134, MedGen C2931788, MONDO:0016244.

Submission:

Genomenon, Inc
Classification: Uncertain significance for Atypical hemolytic-uremic syndrome. Last evaluated: 2025-10-02. Review status: criteria provided, single submitter. Criteria: Genomenon Sequence Variant Interpretation Standards - Updated. Collection method: curation. Allele origin: germline. Affected: yes.
Comment: CFH p.Val609Asp (c.1826T>A) is a missense variant that changes the amino acid at residue 609 from Valine to Aspartic acid. This variant has been observed in at least one proband affected with atypical hemolytic-uremic syndrome (PMID:26826462). It is absent or not present at a significant frequency in gnomAD. In conclusion, we classify CFH p.Val609Asp (c.1826T>A) as a variant of uncertain significance.

Literature cited by the submitters: PubMed 26826462.

NM_000186.4(CFH):c.1826T>A (p.Val609Asp)

Gene: CFH (complement factor H; plus strand). Cytogenetic location: 1q31.3.
Variant type: single nucleotide variant.
Coding change: c.1826T>A on transcript NM_000186.4 (MANE Select); coding-DNA position 1826, T replaced by A.
Protein change: p.Val609Asp; replaces valine 609 with aspartic acid.
Molecular consequence: missense variant.
Genome position (GRCh38, 1-based): chr1:196,725,250, T>A. VCF-style: chr1-196725250-T-A. GRCh37 (hg19) VCF-style: chr1-196694380-T-A.
Other names: short protein forms V609D.
Identifiers: ClinVar variation 4291424 (VCV004291424.1).
Genomic context (GRCh38, chr1:196,725,250, plus strand): 5'-TTGGAGAGGTGTTGAAATTCTCCTGCAAACCAGGATTTACAATAGTTGGACCTAATTCCG[T>A]TCAGTGCTACCACTTTGGATTGTCTCCTGACCTCCCAATATGTAAAGGTGAATGCTTATC-3'
Protein context (NP_000177.2, residues 599-619): PGFTIVGPNS[Val609Asp]QCYHFGLSPD